The following is an entry in ClinVar:

ClinVar aggregate classification (germline): Uncertain significance. Review status: criteria provided, multiple submitters, no conflicts (2 of 4 stars). 2 submissions from 2 submitters: Uncertain significance (2). Last evaluated 2023-03-28.

Conditions:
Inborn genetic diseases. Identifiers: MedGen C0950123, MeSH D030342.

gnomAD v4.1: 22 of 1,613,988 alleles (0.0014%); highest among the groups gnomAD compares: Non-Finnish European, 0.0019%; no homozygotes.

Submissions (2):

Women's Health and Genetics/Laboratory Corporation of America, LabCorp
Classification: Uncertain significance. Last evaluated: 2023-03-28. Review status: criteria provided, single submitter. Criteria: LabCorp Variant Classification Summary - May 2015. Collection method: clinical testing. Allele origin: germline.
Comment: Variant summary: CIC c.1607C>G (p.Ala536Gly) results in a non-conservative amino acid change in the encoded protein sequence. Four of five in-silico tools predict a benign effect of the variant on protein function. The variant allele was found at a frequency of 1.2e-05 in 251446 control chromosomes (gnomAD). The available data on variant occurrences in the general population are insufficient to allow any conclusion about variant significance. To our knowledge, no occurrence of c.1607C>G in individuals affected with Autosomal Dominant Mental Retardation and no experimental evidence demonstrating its impact on protein function have been reported. One clinical diagnostic laboratory has submitted a clinical-significance assessment for this variant to ClinVar after 2014 and classified the variant as uncertain significance. Based on the evidence outlined above, the variant was classified as uncertain significance.

Ambry Genetics
Classification: Uncertain significance for Inborn genetic diseases. Last evaluated: 2021-09-27. Review status: criteria provided, single submitter. Criteria: Ambry Variant Classification Scheme 2023. Collection method: clinical testing. Allele origin: germline.

NM_001386298.1(CIC):c.4334C>G (p.Ala1445Gly)

Gene: CIC (capicua transcriptional repressor; plus strand). Cytogenetic location: 19q13.2.
Variant type: single nucleotide variant.
Coding change: c.4334C>G on transcript NM_001386298.1 (MANE Select); coding-DNA position 4334, C replaced by G.
Protein change: p.Ala1445Gly; replaces alanine 1445 with glycine.
Molecular consequence: missense variant.
Genome position (GRCh38, 1-based): chr19:42,290,375, C>G. VCF-style: chr19-42290375-C-G. GRCh37 (hg19) VCF-style: chr19-42794527-C-G.
Other names: c.4334C>G, p.Ala1445Gly (NM_001304815.2, NM_001379480.1, NM_001379482.1 and 1 more transcripts); c.1607C>G, p.Ala536Gly (NM_001379484.1, NM_001379485.1, NM_015125.5); c.1607C>G (NM_015125.3); short protein forms A1445G, A536G.
Identifiers: ClinVar variation 2501209 (VCV002501209.2), dbSNP rs201728833, ClinGen allele CA406104478.
Genomic context (GRCh38, chr19:42,290,375, plus strand): 5'-GGCCCCCGGATCCTCCTGTAGCCTTTGGCAAAGGCTATGGTTCCGCCCCATCCTCCTCTG[C>G]GTCCTCGCCTGCTTCCTCCTCAGCCTCGGCAGCCACCTCCTTCTCACTGGGCTCAGGAAC-3'
Protein context (NP_001373227.1, residues 1435-1455): KGYGSAPSSS[Ala1445Gly]SSPASSSASA